The following is an entry in ClinVar:

NM_014159.7(SETD2):c.1888C>G (p.Leu630Val)

Gene: SETD2 (SET domain containing 2, histone lysine methyltransferase; minus strand). Cytogenetic location: 3p21.31.
Variant type: single nucleotide variant.
Coding change: c.1888C>G on transcript NM_014159.7 (MANE Select); coding-DNA position 1888, C replaced by G.
Protein change: p.Leu630Val; replaces leucine 630 with valine.
Molecular consequence: missense variant. On other transcripts: non-coding transcript variant (1).
Genome position (GRCh38, 1-based): chr3:47,122,748, G>C on the plus strand (C>G on the coding strand, the complement: SETD2 is on the minus strand). VCF-style: chr3-47122748-G-C. GRCh37 (hg19) VCF-style: chr3-47164238-G-C.
Other names: c.1756C>G, p.Leu586Val (NM_001349370.3); short protein forms L630V, L586V.
Identifiers: ClinVar variation 3680892 (VCV003680892.2).

ClinVar aggregate classification (germline): Uncertain significance (1 of 4 stars; one submission).

Conditions:
Luscan-Lumish syndrome. Identifiers: Orphanet 597738, MedGen C4085873, MONDO:0014791, OMIM 616831.

gnomAD v4.1: 4 of 1,610,542 alleles (0.00025%); highest among the groups gnomAD compares: Non-Finnish European, 0.00034%; no homozygotes.

Submission:

Labcorp Genetics (formerly Invitae), Labcorp
Classification: Uncertain significance for Luscan-Lumish syndrome. Last evaluated: 2025-03-07. Review status: criteria provided, single submitter. Criteria: Invitae Variant Classification Sherloc (09022015). Collection method: clinical testing. Allele origin: germline.
Comment: This sequence change replaces leucine, which is neutral and non-polar, with valine, which is neutral and non-polar, at codon 630 of the SETD2 protein (p.Leu630Val). This variant is not present in population databases (gnomAD no frequency). This variant has not been reported in the literature in individuals affected with SETD2-related conditions. Invitae Evidence Modeling of protein sequence and biophysical properties (such as structural, functional, and spatial information, amino acid conservation, physicochemical variation, residue mobility, and thermodynamic stability) indicates that this missense variant is not expected to disrupt SETD2 protein function with a negative predictive value of 80%. In summary, the available evidence is currently insufficient to determine the role of this variant in disease. Therefore, it has been classified as a Variant of Uncertain Significance.